The following is an entry in ClinVar:

NM_018082.6(POLR3B):c.11T>C (p.Leu4Pro)

Gene: POLR3B (RNA polymerase III subunit B; plus strand). Cytogenetic location: 12q23.3.
Variant type: single nucleotide variant.
Coding change: c.11T>C on transcript NM_018082.6 (MANE Select); coding-DNA position 11, T replaced by C.
Protein change: p.Leu4Pro; replaces leucine 4 with proline.
Molecular consequence: missense variant.
Genome position (GRCh38, 1-based): chr12:106,357,890, T>C. VCF-style: chr12-106357890-T-C. GRCh37 (hg19) VCF-style: chr12-106751668-T-C.
Other names: short protein forms L4P.
Identifiers: ClinVar variation 2063491 (VCV002063491.5), dbSNP rs772862264, ClinGen allele CA6761532.

ClinVar aggregate classification (germline): Uncertain significance. Review status: criteria provided, multiple submitters, no conflicts (2 of 4 stars). 2 submissions from 2 submitters: Uncertain significance (2). Last evaluated 2025-07-01.

Allele frequency attached by ClinVar (database versions not stated): ExAC 0.00004; gnomAD 0.00004; TOPMed 0.00004.
gnomAD v4.1: 111 of 1,613,576 alleles (0.0069%); highest among the groups gnomAD compares: Admixed American, 0.01%; no homozygotes.

Submissions (2):

Labcorp Genetics (formerly Invitae), Labcorp
Classification: Uncertain significance. Last evaluated: 2025-07-01. Review status: criteria provided, single submitter. Criteria: Invitae Variant Classification Sherloc (09022015). Collection method: clinical testing. Allele origin: germline.
Comment: This sequence change replaces leucine, which is neutral and non-polar, with proline, which is neutral and non-polar, at codon 4 of the POLR3B protein (p.Leu4Pro). The frequency data for this variant in the population databases is considered unreliable, as metrics indicate poor data quality at this position in the gnomAD database. This variant has not been reported in the literature in individuals affected with POLR3B-related conditions. ClinVar contains an entry for this variant (Variation ID: 2063491). An algorithm developed to predict the effect of missense changes on protein structure and function (PolyPhen-2) suggests that this variant is likely to be tolerated. In summary, the available evidence is currently insufficient to determine the role of this variant in disease. Therefore, it has been classified as a Variant of Uncertain Significance.

Blueprint Genetics
Classification: Uncertain significance. Last evaluated: 2024-09-18. Review status: criteria provided, single submitter. Criteria: ACMG Guidelines, 2015. Collection method: clinical testing. Allele origin: germline.